The following is an entry in ClinVar:

NC_000017.11:g.(?_43045658)_(43047723_?)del

Gene: BRCA1 (BRCA1 DNA repair associated; minus strand). Cytogenetic location: 17q21.31.
Variant type: Deletion.
Identifiers: ClinVar variation 584078 (VCV000584078.3).

ClinVar aggregate classification (germline): Pathogenic (1 of 4 stars; one submission).

Conditions:
Hereditary breast ovarian cancer syndrome. Also called: Hereditary breast and ovarian cancer syndrome; Hereditary breast and/or ovarian cancer syndrome; Hereditary breast and ovarian cancer syndrome (HBOC); Breast and ovarian cancer; BRCA1- and BRCA2-Associated Hereditary Breast and Ovarian Cancer; Hereditary breast and ovarian cancer. Identifiers: Orphanet 145, MedGen C0677776, MeSH D061325, MONDO:0003582. Disease mechanism: loss of function.

Submission:

Labcorp Genetics (formerly Invitae), Labcorp
Classification: Pathogenic for Hereditary breast and ovarian cancer syndrome. Last evaluated: 2019-06-14. Review status: criteria provided, single submitter. Criteria: Invitae Variant Classification Sherloc (09022015). Collection method: clinical testing. Allele origin: germline.
Comment: This variant is a gross deletion of the genomic region encompassing exons 22-23 of the BRCA1 gene. The 5' boundary is likely confined to intron 21. The 3' end of this event is unknown as it extends through the termination codon beyond the assayed region for this gene and may encompass additional genes. While this deletion is not anticipated to result in nonsense mediated decay, it is expected to create a truncated protein product or disrupt mRNA translation. Deletions encompassing exons 22-23, which in the literature are known as deletions of exons 23-24, have been reported in several individuals and families affected with breast and/or ovarian cancer (PMID: 16715518, 16793929, 17333342, 18431737, 24825132). In one of these families the deletion was shown to segregate with the disease in four affected individuals (PMID: 16793929). For these reasons, this variant has been classified as Pathogenic.

Literature cited by the submitters: PubMed 24825132; PubMed 18431737; PubMed 17333342; PubMed 16793929; PubMed 16715518.